The following is an entry in ClinVar:

ClinVar aggregate classification (germline): Likely pathogenic. Review status: criteria provided, single submitter (1 of 4 stars). 2 submissions from 2 submitters: Likely pathogenic (1). 1 of the submissions does not count toward it. Last evaluated 2025-08-10.

Conditions:
Hearing loss, autosomal recessive 106. Also called: DEAFNESS, AUTOSOMAL RECESSIVE 106. Identifiers: MedGen C4539954, MONDO:0033198, OMIM 617637.

Submissions (2):

Laboratory of Dr. Barbara Vona, University Medical Center Göttingen
Classification: Likely pathogenic for Hearing loss, autosomal recessive 106. Last evaluated: 2025-08-10. Review status: criteria provided, single submitter. Criteria: ClinGen HL ACMG Specifications v1. Collection method: research. Allele origin: germline. Affected: yes. Observed: 1 variant allele.
Comment: The variant fits with a known loss-of-function mechanism of disease. This variant was previosly published (PMID: 39107234). The family was included in an EPS8L2 cohort study that presented detailed clinical information (Owrang et al., 2025). PVS1_VS, PM2_P

OMIM
Classification: Pathogenic for DEAFNESS, AUTOSOMAL RECESSIVE 106. Last evaluated: 2026-02-10. Review status: no assertion criteria provided. Collection method: literature only. Allele origin: germline. Not counted in ClinVar's aggregate classification.

Literature cited by the submitters: PubMed 41514136 (cited by OMIM).

NM_022772.4(EPS8L2):c.1878C>A (p.Tyr626Ter)

Gene: EPS8L2 (EPS8 signaling adaptor L2; plus strand). Cytogenetic location: 11p15.5.
Variant type: single nucleotide variant.
Coding change: c.1878C>A on transcript NM_022772.4 (MANE Select); coding-DNA position 1878, C replaced by A.
Protein change: p.Tyr626Ter; replaces tyrosine 626 with a stop codon.
Molecular consequence: nonsense.
Genome position (GRCh38, 1-based): chr11:726,428, C>A. VCF-style: chr11-726428-C-A. GRCh37 (hg19) VCF-style: chr11-726428-C-A.
Other names: c.1878C>A, p.Tyr626Ter (NM_001441192.1, NM_001441193.1); c.1341C>A, p.Tyr447Ter (NM_001441194.1); short protein forms Y447*, Y626*.
Identifiers: ClinVar variation 4077395 (VCV004077395.2).
Genomic context (GRCh38, chr11:726,428, plus strand): 5'-GCAGCCACAGAGGCACTTCCGCGTGGAGCGCAGCCAGCCCGTGAGCCAGCCGCTCACCTA[C>A]GAGTCGGGTCCGGACGAGGTCCGCGCCTGGCTGGAAGCCAAGGCCTTCAGCCCGCGGTGA-3'